The following is an entry in ClinVar:

ClinVar aggregate classification (germline): Uncertain significance. Review status: criteria provided, multiple submitters, no conflicts (2 of 4 stars). 2 submissions from 2 submitters: Uncertain significance (2). Last evaluated 2025-11-05.

Conditions:
Gastrointestinal stromal tumor. Also called: Gastrointestinal stromal tumor, somatic; Gastrointestinal stroma tumor. Identifiers: Orphanet 44890, MedGen C0238198, MeSH D046152, MONDO:0011719, OMIM 606764, HP:0100723.
Hereditary cancer-predisposing syndrome. Also called: Tumor predisposition; Neoplastic Syndromes, Hereditary; Hereditary neoplastic syndrome; Hereditary Cancer Syndrome. Identifiers: Orphanet 140162, MedGen C0027672, MeSH D009386, MONDO:0015356.

Allele frequency attached by ClinVar (database versions not stated): gnomAD 0.00001; gnomAD exomes below 0.00001.
gnomAD v4.1: 2 of 1,613,654 alleles (0.00012%); highest among the groups gnomAD compares: African/African-American, 0.0013%; no homozygotes.

Submissions (2):

Labcorp Genetics (formerly Invitae), Labcorp
Classification: Uncertain significance for Gastrointestinal stromal tumor. Last evaluated: 2025-11-05. Review status: criteria provided, single submitter. Criteria: Invitae Variant Classification Sherloc (09022015). Collection method: clinical testing. Allele origin: germline.
Comment: This sequence change replaces methionine, which is neutral and non-polar, with threonine, which is neutral and polar, at codon 757 of the KIT protein (p.Met757Thr). The frequency data for this variant in the population databases is considered unreliable, as metrics indicate poor data quality at this position in the gnomAD database. This variant has not been reported in the literature in individuals affected with KIT-related conditions. ClinVar contains an entry for this variant (Variation ID: 1039799). An algorithm developed to predict the effect of missense changes on protein structure and function (PolyPhen-2) suggests that this variant is likely to be tolerated. In summary, the available evidence is currently insufficient to determine the role of this variant in disease. Therefore, it has been classified as a Variant of Uncertain Significance.

Ambry Genetics
Classification: Uncertain significance for Hereditary cancer-predisposing syndrome. Last evaluated: 2025-09-04. Review status: criteria provided, single submitter. Criteria: Ambry Variant Classification Scheme 2023. Collection method: clinical testing. Allele origin: germline.
Comment: The p.M757T variant (also known as c.2270T>C), located in coding exon 16 of the KIT gene, results from a T to C substitution at nucleotide position 2270. The methionine at codon 757 is replaced by threonine, an amino acid with similar properties. This amino acid position is conserved. In addition, the in silico prediction for this alteration is inconclusive. Based on the available evidence, the clinical significance of this variant remains unclear.

NM_000222.3(KIT):c.2270T>C (p.Met757Thr)

Gene: KIT (KIT proto-oncogene, receptor tyrosine kinase; plus strand). Cytogenetic location: 4q12.
Variant type: single nucleotide variant.
Coding change: c.2270T>C on transcript NM_000222.3 (MANE Select); coding-DNA position 2270, T replaced by C.
Protein change: p.Met757Thr; replaces methionine 757 with threonine.
Molecular consequence: missense variant.
Genome position (GRCh38, 1-based): chr4:54,731,907, T>C. VCF-style: chr4-54731907-T-C. GRCh37 (hg19) VCF-style: chr4-55598073-T-C.
Other names: c.2270T>C (NM_000222.2); c.2258T>C, p.Met753Thr (NM_001093772.2, NM_001385292.1); c.2273T>C, p.Met758Thr (NM_001385284.1); c.2267T>C, p.Met756Thr (NM_001385285.1); c.2255T>C, p.Met752Thr (NM_001385286.1); c.2261T>C, p.Met754Thr (NM_001385288.1); c.2270T>C, p.Met757Thr (NM_001385290.1); short protein forms M757T, M758T, M752T, M753T, M756T, M754T.
Identifiers: ClinVar variation 1039799 (VCV001039799.8), dbSNP rs1264359120, ClinGen allele CA356910888.